The following is an entry in ClinVar:

ClinVar aggregate classification (germline): Pathogenic (1 of 4 stars; one submission).

Conditions:
Primary ciliary dyskinesia. Also called: Ciliary dyskinesia. Identifiers: Orphanet 244, MedGen C0008780, MONDO:0016575, HP:0012265.

Submission:

Labcorp Genetics (formerly Invitae), Labcorp
Classification: Pathogenic for Primary ciliary dyskinesia. Last evaluated: 2024-01-25. Review status: criteria provided, single submitter. Criteria: Invitae Variant Classification Sherloc (09022015). Collection method: clinical testing. Allele origin: unknown.
Comment: This variant is a gross deletion of the genomic region encompassing exon(s) 50 of the DNAH5 gene. This deletion is out-of-frame, and is expected to create a premature termination codon and result in an absent or disrupted protein product. Loss-of-function variants in DNAH5 are known to be pathogenic (PMID: 11788826, 16627867). This variant has not been reported in the literature in individuals affected with DNAH5-related conditions. For these reasons, this variant has been classified as Pathogenic.

Literature cited by the submitters: PubMed 11788826; PubMed 16627867.

NC_000005.9:g.(?_13792083)_(13792346_?)del

Gene: DNAH5 (dynein axonemal heavy chain 5; minus strand). Cytogenetic location: 5p15.2.
Variant type: Deletion.
Identifiers: ClinVar variation 3246253 (VCV003246253.1).